The following is an entry in ClinVar:

ClinVar aggregate classification (germline): Uncertain significance (1 of 4 stars; one submission).

Submission:

GeneDx
Classification: Uncertain significance. Last evaluated: 2025-04-27. Review status: criteria provided, single submitter. Criteria: GeneDx Variant Classification Process June 2021. Collection method: clinical testing. Allele origin: germline. Affected: yes.
Comment: Not observed at significant frequency in large population cohorts (gnomAD); In silico analysis indicates that this missense variant does not alter protein structure/function; Has not been previously published as pathogenic or benign to our knowledge

NM_014727.3(KMT2B):c.6716T>G (p.Leu2239Arg)

Gene: KMT2B (lysine methyltransferase 2B; plus strand). Cytogenetic location: 19q13.12.
Variant type: single nucleotide variant.
Coding change: c.6716T>G on transcript NM_014727.3 (MANE Select); coding-DNA position 6716, T replaced by G.
Protein change: p.Leu2239Arg; replaces leucine 2239 with arginine.
Molecular consequence: missense variant.
Genome position (GRCh38, 1-based): chr19:35,733,265, T>G. VCF-style: chr19-35733265-T-G. GRCh37 (hg19) VCF-style: chr19-36224166-T-G.
Other names: short protein forms L2239R.
Identifiers: ClinVar variation 4528283 (VCV004528283.1).